The following is an entry in ClinVar:

ClinVar aggregate classification (germline): Pathogenic (1 of 4 stars; one submission).

Submission:

Labcorp Genetics (formerly Invitae), Labcorp
Classification: Pathogenic. Last evaluated: 2024-03-16. Review status: criteria provided, single submitter. Criteria: Invitae Variant Classification Sherloc (09022015). Collection method: clinical testing. Allele origin: germline.
Comment: This sequence change creates a premature translational stop signal (p.Tyr199*) in the TYMP gene. It is expected to result in an absent or disrupted protein product. Loss-of-function variants in TYMP are known to be pathogenic (PMID: 9924029, 15781193). This variant is not present in population databases (gnomAD no frequency). This variant has not been reported in the literature in individuals affected with TYMP-related conditions. Algorithms developed to predict the effect of sequence changes on RNA splicing suggest that this variant may disrupt the consensus splice site. For these reasons, this variant has been classified as Pathogenic.

Literature cited by the submitters: PubMed 9924029; PubMed 15781193.

NM_001953.5(TYMP):c.597T>G (p.Tyr199Ter)

Gene: TYMP (thymidine phosphorylase; minus strand). Cytogenetic location: 22q13.33.
Variant type: single nucleotide variant.
Coding change: c.597T>G on transcript NM_001953.5 (MANE Select); coding-DNA position 597, T replaced by G.
Protein change: p.Tyr199Ter; replaces tyrosine 199 with a stop codon.
Molecular consequence: nonsense.
Genome position (GRCh38, 1-based): chr22:50,527,637, A>C on the plus strand (T>G on the coding strand, the complement: TYMP is on the minus strand). VCF-style: chr22-50527637-A-C. GRCh37 (hg19) VCF-style: chr22-50966066-A-C.
Other names: c.597T>G, p.Tyr199Ter (NM_001113755.3, NM_001113756.3, NM_001257988.1 and 1 more transcripts); short protein forms Y199*.
Identifiers: ClinVar variation 3646205 (VCV003646205.2).